The following is an entry in ClinVar:

ClinVar aggregate classification (germline): Uncertain significance (1 of 4 stars; one submission).

Submission:

GeneDx
Classification: Uncertain significance. Last evaluated: 2024-12-25. Review status: criteria provided, single submitter. Criteria: GeneDx Variant Classification Process June 2021. Collection method: clinical testing. Allele origin: germline. Affected: yes.
Comment: Not observed at significant frequency in large population cohorts (gnomAD); In silico analysis supports that this missense variant has a deleterious effect on protein structure/function; Has not been previously published as pathogenic or benign to our knowledge

NM_015215.4(CAMTA1):c.850C>G (p.Arg284Gly)

Gene: CAMTA1 (calmodulin binding transcription activator 1; plus strand). Cytogenetic location: 1p36.23.
Variant type: single nucleotide variant.
Coding change: c.850C>G on transcript NM_015215.4 (MANE Select); coding-DNA position 850, C replaced by G.
Protein change: p.Arg284Gly; replaces arginine 284 with glycine.
Molecular consequence: missense variant.
Genome position (GRCh38, 1-based): chr1:7,663,397, C>G. VCF-style: chr1-7663397-C-G. GRCh37 (hg19) VCF-style: chr1-7723457-C-G.
Other names: c.760C>G, p.Arg254Gly (NM_001349608.2, NM_001349612.2); c.850C>G, p.Arg284Gly (NM_001349609.2, NM_001349610.2, NM_001410737.1); c.778C>G, p.Arg260Gly (NM_001410738.1); short protein forms R254G, R260G, R284G.
Identifiers: ClinVar variation 3907902 (VCV003907902.1).